The following is an entry in ClinVar:

NM_001110556.2(FLNA):c.5559A>C (p.Gly1853=)

Gene: FLNA (filamin A; minus strand). Cytogenetic location: Xq28.
Variant type: single nucleotide variant.
Coding change: c.5559A>C on transcript NM_001110556.2 (MANE Select); coding-DNA position 5559, A replaced by C.
Protein change: p.Gly1853=; no amino-acid change (glycine 1853 retained).
Molecular consequence: synonymous variant.
Genome position (GRCh38, 1-based): chrX:154,354,042, T>G on the plus strand (A>C on the coding strand, the complement: FLNA is on the minus strand). VCF-style: chrX-154354042-T-G. GRCh37 (hg19) VCF-style: chrX-153582410-T-G.
Other names: c.5535A>C, p.Gly1845= (NM_001456.4).
Identifiers: ClinVar variation 507825 (VCV000507825.18), dbSNP rs372028899, ClinGen allele CA10560276.

ClinVar aggregate classification (germline): Likely benign. Review status: criteria provided, multiple submitters, no conflicts (2 of 4 stars). 5 submissions from 5 submitters: Likely benign (5). Last evaluated 2025-08-28.

Conditions:
Heterotopia, periventricular, X-linked dominant (PVNH1). Also called: PERIVENTRICULAR NODULAR HETEROTOPIA 1; X-linked periventricular heterotopia; PERIVENTRICULAR NODULAR HETEROTOPIA 4; HETEROTOPIA, PERIVENTRICULAR, 1. Identifiers: Orphanet 2149, Orphanet 82004, MedGen C1848213, MONDO:0010233, OMIM 300049.
Melnick-Needles syndrome (MNS). Also called: OSTEODYSPLASTY OF MELNICK AND NEEDLES; Melnick-Needles Syndrome (FLNA-MNS); MELNICK-NEEDLES OSTEODYSPLASTY. Identifiers: Orphanet 2484, MedGen C0025237, MONDO:0010650, OMIM 309350.
Oto-palato-digital syndrome, type II (OPD2). Also called: OPD II SYNDROME; Otopalatodigital Syndrome, Type II; FACIOPALATOOSSEOUS SYNDROME; Otopalatodigital Syndrome Type 2 (FLNA-OPD2). Identifiers: Orphanet 669, Orphanet 90652, MedGen C1844696, MONDO:0010571, OMIM 304120.
Frontometaphyseal dysplasia (FMD1). Identifiers: Orphanet 1826, MedGen C0265293, MONDO:0015942.
Familial thoracic aortic aneurysm and aortic dissection (TAAD). Also called: Thoracic aortic aneurysms and dissections. Identifiers: Orphanet 91387, MedGen C4707243, MONDO:0019625.

Allele frequency attached by ClinVar (database versions not stated): gnomAD exomes 0.00002 and 0.00004; ExAC 0.00005; ESP Exome Variant Server 0.00010; gnomAD 0.00014 and 0.00017; TOPMed 0.00017.
gnomAD v4.1: 43 of 1,210,774 alleles (0.0036%); highest among the groups gnomAD compares: African/African-American, 0.05%; no homozygotes.

Submissions (5):

Labcorp Genetics (formerly Invitae), Labcorp
Classification: Likely benign for Oto-palato-digital syndrome, type II; Heterotopia, periventricular, X-linked dominant; Frontometaphyseal dysplasia; Melnick-Needles syndrome. Last evaluated: 2025-08-28. Review status: criteria provided, single submitter. Criteria: Invitae Variant Classification Sherloc (09022015). Collection method: clinical testing. Allele origin: germline.

Blueprint Genetics
Classification: Likely benign. Last evaluated: 2024-09-09. Review status: criteria provided, single submitter. Criteria: ACMG Guidelines, 2015. Collection method: clinical testing. Allele origin: germline.

Athena Diagnostics
Classification: Likely benign. Last evaluated: 2017-12-27. Review status: criteria provided, single submitter. Criteria: Athena Diagnostics Criteria. Collection method: clinical testing. Allele origin: germline.

Ambry Genetics
Classification: Likely benign for Familial thoracic aortic aneurysm and aortic dissection. Last evaluated: 2017-05-03. Review status: criteria provided, single submitter. Criteria: Ambry Variant Classification Scheme 2023. Collection method: clinical testing. Allele origin: germline.

GeneDx
Classification: Likely benign. Last evaluated: 2017-03-08. Review status: criteria provided, single submitter. Criteria: GeneDx Variant Classification (06012015). Collection method: clinical testing. Allele origin: germline. Affected: yes.
Comment: This variant is considered likely benign or benign based on one or more of the following criteria: it is a conservative change, it occurs at a poorly conserved position in the protein, it is predicted to be benign by multiple in silico algorithms, and/or has population frequency not consistent with disease.